The following is an entry in ClinVar:

ClinVar aggregate classification (germline): Uncertain significance (1 of 4 stars; one submission).

Submission:

Labcorp Genetics (formerly Invitae), Labcorp
Classification: Uncertain significance. Last evaluated: 2022-07-05. Review status: criteria provided, single submitter. Criteria: Invitae Variant Classification Sherloc (09022015). Collection method: clinical testing. Allele origin: germline.
Comment: This variant is present in population databases (no rsID available, gnomAD 0.001%). This sequence change creates a premature translational stop signal (p.Ser7Thrfs*81) in the NDUFA9 gene. It is expected to result in an absent or disrupted protein product. However, the current clinical and genetic evidence is not sufficient to establish whether loss-of-function variants in NDUFA9 cause disease. This variant has not been reported in the literature in individuals affected with NDUFA9-related conditions. In summary, the available evidence is currently insufficient to determine the role of this variant in disease. Therefore, it has been classified as a Variant of Uncertain Significance.

NM_005002.5(NDUFA9):c.19delinsAC (p.Ser7fs)

Gene: NDUFA9 (NADH:ubiquinone oxidoreductase subunit A9; plus strand). Cytogenetic location: 12p13.32.
Variant type: Indel.
Coding change: c.19delinsAC on transcript NM_005002.5 (MANE Select); coding-DNA position 19, T replaced by AC.
Protein change: p.Ser7fs; shifts the reading frame from serine 7.
Molecular consequence: frameshift variant.
Genome position (GRCh38, 1-based): chr12:4,649,145, T replaced by AC. VCF-style: chr12-4649145-T-AC. GRCh37 (hg19) VCF-style: chr12-4758311-T-AC.
Other names: short protein forms S7fs.
Identifiers: ClinVar variation 2057983 (VCV002057983.4), dbSNP rs2498058192, ClinGen allele CA2580085150.